The following is an entry in ClinVar:

NM_001378454.1(ALMS1):c.3056A>T (p.Asp1019Val)

Gene: ALMS1 (ALMS1 centrosome and basal body associated protein; plus strand). Cytogenetic location: 2p13.1.
Variant type: single nucleotide variant.
Coding change: c.3056A>T on transcript NM_001378454.1 (MANE Select); coding-DNA position 3056, A replaced by T.
Protein change: p.Asp1019Val; replaces aspartic acid 1019 with valine.
Molecular consequence: missense variant.
Genome position (GRCh38, 1-based): chr2:73,449,583, A>T. VCF-style: chr2-73449583-A-T. GRCh37 (hg19) VCF-style: chr2-73676710-A-T.
Other names: c.3059A>T, p.Asp1020Val (NM_015120.4); short protein forms D1019V, D1020V.
Identifiers: ClinVar variation 3351396 (VCV003351396.1).
Genomic context (GRCh38, chr2:73,449,583, plus strand): 5'-CTTCAGGTTCCTTCTCACATAGAGAGAAGCCCAGTATTTTCTATCAACAGGAGTGGCCAG[A>T]TAGTTATGCAACTGAAAAGGCTCTGAAAGTTTCAACTGGCCCTGGACCAGCTGACCAGAA-3'
Protein context (NP_001365383.1, residues 1009-1029): PSIFYQQEWP[Asp1019Val]SYATEKALKV

ClinVar aggregate classification (germline): Uncertain significance (0 of 4 stars; one submission).

Conditions:
ALMS1-related disorder. Also called: ALMS1-related condition.

gnomAD v4.1: 1 of 1,614,092 alleles (0.000062%); highest among the groups gnomAD compares: Non-Finnish European, 0.000085%; no homozygotes.

Submission:

PreventionGenetics, part of Exact Sciences
Classification: Uncertain significance for ALMS1-related condition. Last evaluated: 2024-07-09. Review status: no assertion criteria provided. Collection method: clinical testing. Allele origin: germline.
Comment: The ALMS1 c.3059A>T variant is predicted to result in the amino acid substitution p.Tyr1020Phe. To our knowledge, this variant has not been reported in the literature. This variant is reported in 0.0083% of alleles in individuals of African descent in gnomAD. At this time, the clinical significance of this variant is uncertain due to the absence of conclusive functional and genetic evidence.